The following is an entry in ClinVar:

NM_001909.5(CTSD):c.*19G>A

Gene: CTSD (cathepsin D; minus strand). Cytogenetic location: 11p15.5.
Variant type: single nucleotide variant.
Coding change: c.*19G>A on transcript NM_001909.5 (MANE Select); 19 bases downstream of the stop codon, G replaced by A.
Molecular consequence: 3 prime UTR variant.
Genome position (GRCh38, 1-based): chr11:1,753,484, C>T on the plus strand (G>A on the coding strand, the complement: CTSD is on the minus strand). VCF-style: chr11-1753484-C-T. GRCh37 (hg19) VCF-style: chr11-1774714-C-T.
Identifiers: ClinVar variation 137046 (VCV000137046.9), dbSNP rs201434721, ClinGen allele CA290534.

ClinVar aggregate classification (germline): Benign/Likely benign. Review status: criteria provided, multiple submitters, no conflicts (2 of 4 stars). 4 submissions from 4 submitters: Benign (3); Likely benign (1). Last evaluated 2024-11-14.

Conditions:
Neuronal ceroid lipofuscinosis 10 (CLN10). Also called: NEURONAL CEROID LIPOFUSCINOSIS DUE TO CATHEPSIN D DEFICIENCY; CTSD-Related Neuronal Ceroid-Lipofuscinosis. Identifiers: Orphanet 228337, MedGen C1864669, MONDO:0012414, OMIM 610127.

Allele frequency attached by ClinVar (database versions not stated): gnomAD exomes 0.00052 and 0.00116; ExAC 0.00141; 1000 Genomes Project 0.00419; 1000 Genomes Project 30x 0.00422; gnomAD 0.00464 and 0.00493; ESP Exome Variant Server 0.00477; TOPMed 0.00481.

Submissions (4):

Blueprint Genetics
Classification: Likely benign. Last evaluated: 2024-11-14. Review status: criteria provided, single submitter. Criteria: ACMG Guidelines, 2015. Collection method: clinical testing. Allele origin: germline.

Illumina Laboratory Services, Illumina
Classification: Benign for Neuronal ceroid lipofuscinosis 10. Last evaluated: 2018-01-12. Review status: criteria provided, single submitter. Criteria: ICSL Variant Classification Criteria 13 December 2019. Collection method: clinical testing. Allele origin: germline.
Comment: This variant was observed in the ICSL laboratory as part of a predisposition screen in an ostensibly healthy population. It had not been previously curated by ICSL or reported in the Human Gene Mutation Database (HGMD: prior to June 1st, 2018), and was therefore a candidate for classification through an automated scoring system. Utilizing variant allele frequency, disease prevalence and penetrance estimates, and inheritance mode, an automated score was calculated to assess if this variant is too frequent to cause the disease. Based on the score and internal cut-off values, a variant classified as benign is not then subjected to further curation. The score for this variant resulted in a classification of benign for this disease.

GeneDx
Classification: Benign. Last evaluated: 2013-12-01. Review status: criteria provided, single submitter. Criteria: GeneDx Variant Classification (06012015). Collection method: clinical testing. Allele origin: germline. Affected: yes.
Comment: This variant is considered likely benign or benign based on one or more of the following criteria: it is a conservative change, it occurs at a poorly conserved position in the protein, it is predicted to be benign by multiple in silico algorithms, and/or has population frequency not consistent with disease.

Breakthrough Genomics
Classification: Benign. Review status: criteria provided, single submitter. Criteria: ACMG Guidelines, 2015. Collection method: not provided. Allele origin: germline. Inheritance: Autosomal recessive inheritance. Affected: yes.